The following is an entry in ClinVar:

NM_017617.5(NOTCH1):c.1357G>T (p.Val453Phe)

Gene: NOTCH1 (notch receptor 1; minus strand). Cytogenetic location: 9q34.3.
Variant type: single nucleotide variant.
Coding change: c.1357G>T on transcript NM_017617.5 (MANE Select); coding-DNA position 1357, G replaced by T.
Protein change: p.Val453Phe; replaces valine 453 with phenylalanine.
Molecular consequence: missense variant.
Genome position (GRCh38, 1-based): chr9:136,517,836, C>A on the plus strand (G>T on the coding strand, the complement: NOTCH1 is on the minus strand). VCF-style: chr9-136517836-C-A. GRCh37 (hg19) VCF-style: chr9-139412288-C-A.
Other names: short protein forms V453F.
Identifiers: ClinVar variation 4635465 (VCV004635465.1).

ClinVar aggregate classification (germline): Uncertain significance (1 of 4 stars; one submission).

Conditions:
Familial thoracic aortic aneurysm and aortic dissection (TAAD). Also called: Thoracic aortic aneurysms and dissections. Identifiers: Orphanet 91387, MedGen C4707243, MONDO:0019625.

Submission:

Ambry Genetics
Classification: Uncertain significance for Familial thoracic aortic aneurysm and aortic dissection. Last evaluated: 2025-09-18. Review status: criteria provided, single submitter. Criteria: Ambry Variant Classification Scheme 2023. Collection method: clinical testing. Allele origin: germline.
Comment: The p.V453F variant (also known as c.1357G>T), located in coding exon 8 of the NOTCH1 gene, results from a G to T substitution at nucleotide position 1357. The valine at codon 453 is replaced by phenylalanine, an amino acid with highly similar properties. This amino acid position is conserved. In addition, the in silico prediction for this alteration is inconclusive. Based on the available evidence, the clinical significance of this variant remains unclear.